The following is an entry in ClinVar:

NM_001347721.2(DYRK1A):c.980_981insCCCA (p.Met327fs)

Gene: DYRK1A (dual specificity tyrosine phosphorylation regulated kinase 1A; plus strand). Cytogenetic location: 21q22.13.
Variant type: Insertion.
Coding change: c.980_981insCCCA on transcript NM_001347721.2 (MANE Select); coding-DNA positions 980 to 981, CCCA inserted.
Protein change: p.Met327fs; shifts the reading frame from methionine 327.
Molecular consequence: frameshift variant.
Genome position: GRCh38 VCF-style: chr21-37493072-T-TCCCA. GRCh37 (hg19) VCF-style: chr21-38865374-T-TCCCA.
Other names: c.980_981insCCCA, p.Met327fs (NM_001347722.2, NM_130436.2); c.893_894insCCCA, p.Met298fs (NM_001347723.2); c.1007_1008insCCCA, p.Met336fs (NM_001396.5, NM_101395.2, NM_130438.2); short protein forms M298fs, M327fs, M336fs.
Identifiers: ClinVar variation 976471 (VCV000976471.1), dbSNP rs2053150009, ClinGen allele CA1139666858.
Genomic context (GRCh38, chr21:37,493,072, plus strand): 5'-TTCAGATATACCAGTATATTCAGAGTCGCTTTTATCGGTCTCCAGAGGTGCTACTGGGAA[T>TCCCA]GCCTTATGACCTTGCCATTGATATGTGGTCCCTCGGGTGTATTTTGGTTGAAATGCACAC-3'

ClinVar aggregate classification (germline): Pathogenic (0 of 4 stars; one submission).

Conditions:
DYRK1A-related intellectual disability syndrome (MRD7). Also called: DYRK1A Syndrome; Intellectual developmental disorder, autosomal dominant 7. Identifiers: Orphanet 464306, MedGen C5568143, MONDO:0013578, OMIM 614104.

Submission:

Clinical Genomics Laboratory, Stanford Medicine
Classification: Pathogenic for DYRK1A-related intellectual disability syndrome. Last evaluated: 2019-10-23. Review status: no assertion criteria provided. Collection method: clinical testing. Allele origin: germline. Inheritance: Autosomal dominant inheritance. Affected: yes.
Comment: This variant was absent from large population databases, including the Genome Aggregation Database. The p.Met336Ilefs*5 variant results in a 4 bp insertion, which causes a shift in the protein reading frame and premature termination codon 5 amino acids downstream. The premature termination codon is in exon 8 of 12 coding exons, and is therefore predicted to undergo nonsense-mediated decay, resulting in an absent protein. Heterozygous loss of function is an established mechanism of disease for the DYRK1A gene (van Bon et al., 2015). These data were assessed using the ACMG/AMP variant interpretation guidelines. In summary, there is sufficient evidence to classify the p.Met336Ilefs*5 variant as pathogenic for autosomal dominant DYRK1A-related Intellectual Disability Syndrome based on the information above. [ACMG evidence codes used: PVS1; PS2; PM2]